The following is an entry in ClinVar:

ClinVar aggregate classification (germline): Uncertain significance (1 of 4 stars; one submission).

Submission:

GeneDx
Classification: Uncertain significance. Last evaluated: 2019-07-22. Review status: criteria provided, single submitter. Criteria: GeneDx Variant Classification Process June 2021. Collection method: clinical testing. Allele origin: germline. Affected: yes.
Comment: Not observed in large population cohorts (Lek et al., 2016); The majority of missense variants in this gene are considered pathogenic (Stenson et al., 2014); In silico analysis, which includes protein predictors and evolutionary conservation, supports a deleterious effect; Has not been previously published as pathogenic or benign to our knowledge

NM_002755.4(MAP2K1):c.922A>T (p.Met308Leu)

Gene: MAP2K1 (mitogen-activated protein kinase kinase 1; plus strand). Cytogenetic location: 15q22.31.
Variant type: single nucleotide variant.
Coding change: c.922A>T on transcript NM_002755.4 (MANE Select); coding-DNA position 922, A replaced by T.
Protein change: p.Met308Leu; replaces methionine 308 with leucine.
Molecular consequence: missense variant.
Genome position (GRCh38, 1-based): chr15:66,487,254, A>T. VCF-style: chr15-66487254-A-T. GRCh37 (hg19) VCF-style: chr15-66779592-A-T.
Other names: short protein forms M308L.
Identifiers: ClinVar variation 1320837 (VCV001320837.2), dbSNP rs2140678957, ClinGen allele CA392937518.